The following is an entry in ClinVar:

NM_000492.4(CFTR):c.4034T>C (p.Val1345Ala)

Gene: CFTR (CF transmembrane conductance regulator; plus strand). Cytogenetic location: 7q31.2.
Variant type: single nucleotide variant.
Coding change: c.4034T>C on transcript NM_000492.4 (MANE Select); coding-DNA position 4034, T replaced by C.
Protein change: p.Val1345Ala; replaces valine 1345 with alanine.
Molecular consequence: missense variant.
Genome position (GRCh38, 1-based): chr7:117,664,758, T>C. VCF-style: chr7-117664758-T-C. GRCh37 (hg19) VCF-style: chr7-117304812-T-C.
Other names: short protein forms V1345A.
Identifiers: ClinVar variation 1737231 (VCV001737231.3), dbSNP rs2485181749, ClinGen allele CA368982396.

ClinVar aggregate classification (germline): Uncertain significance (1 of 4 stars; one submission).

Conditions:
Cystic fibrosis (CF). Also called: MUCOVISCIDOSIS. Identifiers: Orphanet 586, MedGen C0010674, MONDO:0009061, OMIM 219700. Disease mechanism: loss of function.

Submission:

Ambry Genetics
Classification: Uncertain significance for Cystic fibrosis. Last evaluated: 2025-08-21. Review status: criteria provided, single submitter. Criteria: Ambry Variant Classification Scheme 2023. Collection method: clinical testing. Allele origin: germline.
Comment: The p.V1345A variant (also known as c.4034T>C), located in coding exon 25 of the CFTR gene, results from a T to C substitution at nucleotide position 4034. The valine at codon 1345 is replaced by alanine, an amino acid with similar properties. This amino acid position is highly conserved in available vertebrate species. In addition, this alteration is predicted to be deleterious by in silico analysis. Since supporting evidence is limited at this time, the clinical significance of this alteration remains unclear.